The following is an entry in ClinVar:

ClinVar aggregate classification (germline): Uncertain significance (1 of 4 stars; one submission).

Conditions:
Neurofibromatosis, type 1 (NF1). Also called: VON RECKLINGHAUSEN DISEASE; NEUROFIBROMATOSIS, TYPE I, SOMATIC; Peripheral type neurofibromatosis; Neurofibromatosis, type I. Identifiers: Orphanet 636, MedGen C0027831, MONDO:0018975, OMIM 162200. Disease mechanism: loss of function.

Submission:

Labcorp Genetics (formerly Invitae), Labcorp
Classification: Uncertain significance for Neurofibromatosis, type 1. Last evaluated: 2020-01-16. Review status: criteria provided, single submitter. Criteria: Invitae Variant Classification Sherloc (09022015). Collection method: clinical testing. Allele origin: germline.
Comment: This variant has not been reported in the literature in individuals with NF1-related conditions. This variant is not present in population databases (ExAC no frequency). This sequence change replaces tryptophan with serine at codon 1641 of the NF1 protein (p.Trp1641Ser). The tryptophan residue is moderately conserved and there is a large physicochemical difference between tryptophan and serine. In summary, the available evidence is currently insufficient to determine the role of this variant in disease. Therefore, it has been classified as a Variant of Uncertain Significance. Algorithms developed to predict the effect of missense changes on protein structure and function are either unavailable or do not agree on the potential impact of this missense change (SIFT: "Deleterious"; PolyPhen-2: "Probably Damaging"; Align-GVGD: "Class C0").

NM_001042492.3(NF1):c.4985G>C (p.Trp1662Ser)

Gene: NF1 (neurofibromin 1; plus strand). Cytogenetic location: 17q11.2.
Variant type: single nucleotide variant.
Coding change: c.4985G>C on transcript NM_001042492.3 (MANE Select); coding-DNA position 4985, G replaced by C.
Protein change: p.Trp1662Ser; replaces tryptophan 1662 with serine.
Molecular consequence: missense variant.
Genome position (GRCh38, 1-based): chr17:31,325,969, G>C. VCF-style: chr17-31325969-G-C. GRCh37 (hg19) VCF-style: chr17-29652987-G-C.
Other names: c.4922G>C, p.Trp1641Ser (NM_000267.4); short protein forms W1641S, W1662S.
Identifiers: ClinVar variation 950590 (VCV000950590.6), dbSNP rs1567611375, ClinGen allele CA399007255.